The following is an entry in ClinVar:

ClinVar aggregate classification (germline): Uncertain significance (1 of 4 stars; one submission).

Submission:

Ambry Genetics
Classification: Uncertain significance. Last evaluated: 2026-08-23. Review status: criteria provided, single submitter. Criteria: Ambry Variant Classification Scheme 2023. Collection method: clinical testing. Allele origin: germline.
Comment: The p.H225Q variant (also known as c.675C>G), located in coding exon 1 of the MC1R gene, results from a C to G substitution at nucleotide position 675. The histidine at codon 225 is replaced by glutamine, an amino acid with highly similar properties. This amino acid position is conserved. In addition, this alteration is predicted to be tolerated by in silico analysis. Based on the available evidence, the clinical significance of this variant remains unclear.

NM_002386.4(MC1R):c.675C>G (p.His225Gln)

Gene: MC1R (melanocortin 1 receptor; plus strand). Cytogenetic location: 16q24.3.
Variant type: single nucleotide variant.
Coding change: c.675C>G on transcript NM_002386.4 (MANE Select); coding-DNA position 675, C replaced by G.
Protein change: p.His225Gln; replaces histidine 225 with glutamine.
Molecular consequence: missense variant.
Genome position (GRCh38, 1-based): chr16:89,919,933, C>G. VCF-style: chr16-89919933-C-G. GRCh37 (hg19) VCF-style: chr16-89986341-C-G.
Other names: short protein forms H225Q.
Identifiers: ClinVar variation 4104886 (VCV004104886.2).